The following continues an entry in ClinVar:

NM_007194.4(CHEK2):c.1133C>T (p.Thr378Ile)

Gene: CHEK2. ClinVar aggregate classification (germline): Uncertain significance. Uncertain significance (13).

Submissions 9 to 14 of 14:

Myriad Genetics, Inc.
Classification: Uncertain significance for Familial cancer of breast. Last evaluated: 2023-03-09. Review status: criteria provided, single submitter. Criteria: Myriad Autosomal Dominant, Autosomal Recessive and X-Linked Classification Criteria (2023). Collection method: clinical testing. Allele origin: unknown.
Comment: This variant is classified as a variant of uncertain significance as there is insufficient evidence to determine its impact on protein function and/or cancer risk.

Clinical Genetics Laboratory, Skane University Hospital Lund
Classification: Uncertain significance. Last evaluated: 2022-12-12. Review status: criteria provided, single submitter. Criteria: ACMG Guidelines, 2015. Collection method: clinical testing. Allele origin: germline. Affected: yes.

Quest Diagnostics Nichols Institute San Juan Capistrano
Classification: Uncertain significance. Last evaluated: 2022-10-04. Review status: criteria provided, single submitter. Criteria: Quest Diagnostics criteria. Collection method: clinical testing. Allele origin: unknown.
Comment: The frequency of this variant in the general population, 0.00012 (4/34568 chromosomes), is uninformative in assessment of its pathogenicity. This variant has been reported in individuals affected with breast cancer and unaffected controls (PMIDs: 30851065 (2019) and 33471991 (2021), see also LOVD). A yeast-based functional study has indicated that this variant maintains CHEK2 protein function (PMID: 30851065 (2019)). Analysis of this variant using bioinformatics tools for the prediction of the effect of amino acid changes on protein structure and function yielded conflicting predictions that this variant is deleterious or benign. Based on the available information, we are unable to determine the clinical significance of this variant.

Sema4
Classification: Uncertain significance for Hereditary cancer-predisposing syndrome. Last evaluated: 2021-08-21. Review status: criteria provided, single submitter. Criteria: Sema4 Curation Guidelines. Collection method: curation. Allele origin: germline.
Comment: The CHEK2 c.1133C>T (p.T378I) variant has been reported in heterozygosity in individuals with breast cancer as well as healthy controls (PMID: 33471991). An in vivo yeast-based study demonstrated the normal function of the protein (PMID:30851065). This variant was observed in 13/250714 chromosomes in the large and broad populations of the Genome Aggregation Database (PMID: 32461654). This variant has been reported in ClinVar (Variation ID: 128046). In silico predictions of the variant's effect on protein function are inconclusive. The evidence is insufficient to meet ACMG/AMP criteria for classifying the variant as benign or pathogenic. Thus, the clinical significance of this variant is currently uncertain.

Fulgent Genetics
Classification: Uncertain significance for Familial cancer of breast; Familial prostate cancer; Bone osteosarcoma; CHEK2-related cancer predisposition. Last evaluated: 2018-10-31. Review status: criteria provided, single submitter. Criteria: ACMG Guidelines, 2015. Collection method: clinical testing. Allele origin: unknown.

Counsyl
Classification: Uncertain significance for Familial cancer of breast. Last evaluated: 2016-05-05. Review status: no assertion criteria provided. Collection method: clinical testing. Allele origin: unknown. Not counted in ClinVar's aggregate classification.

Literature cited by the submitters: PubMed 34282249 (cited by Labcorp Genetics (formerly Invitae), Labcorp and Women's Health and Genetics/Laboratory Corporation of America, LabCorp); PubMed 30851065 (cited by 7 submitters); PubMed 37449874 (cited by 5 submitters); PubMed 39146382 (cited by Center for Genomic Medicine, Rigshospitalet, Copenhagen University Hospital); PubMed 39642869 (cited by Center for Genomic Medicine, Rigshospitalet, Copenhagen University Hospital); PubMed 31206626 (cited by Women's Health and Genetics/Laboratory Corporation of America, LabCorp and Quest Diagnostics Nichols Institute San Juan Capistrano); PubMed 33471991 (cited by 4 submitters); PubMed 17698850 (cited by Color Diagnostics, LLC DBA Color Health); PubMed 20713355 (cited by Color Diagnostics, LLC DBA Color Health).